The following is an entry in ClinVar:

ClinVar aggregate classification (germline): Uncertain significance (1 of 4 stars; one submission).

Allele frequency attached by ClinVar (database versions not stated): gnomAD exomes 0.00001.

Submission:

Labcorp Genetics (formerly Invitae), Labcorp
Classification: Uncertain significance. Last evaluated: 2022-04-12. Review status: criteria provided, single submitter. Criteria: Invitae Variant Classification Sherloc (09022015). Collection method: clinical testing. Allele origin: germline.
Comment: In summary, the available evidence is currently insufficient to determine the role of this variant in disease. Therefore, it has been classified as a Variant of Uncertain Significance. Algorithms developed to predict the effect of missense changes on protein structure and function are either unavailable or do not agree on the potential impact of this missense change (SIFT: "Deleterious"; PolyPhen-2: "Benign"; Align-GVGD: "Class C0"). This variant has not been reported in the literature in individuals affected with RBP3-related conditions. This variant is present in population databases (no rsID available, gnomAD 0.007%). This sequence change replaces glutamic acid, which is acidic and polar, with glycine, which is neutral and non-polar, at codon 648 of the RBP3 protein (p.Glu648Gly).

NM_002900.3(RBP3):c.1943A>G (p.Glu648Gly)

Gene: RBP3 (retinol binding protein 3; plus strand). Cytogenetic location: 10q11.22.
Variant type: single nucleotide variant.
Coding change: c.1943A>G on transcript NM_002900.3 (MANE Select); coding-DNA position 1943, A replaced by G.
Protein change: p.Glu648Gly; replaces glutamic acid 648 with glycine.
Molecular consequence: missense variant.
Genome position (GRCh38, 1-based): chr10:47,350,427, A>G. VCF-style: chr10-47350427-A-G. GRCh37 (hg19) VCF-style: chr10-48388935-T-C.
Other names: short protein forms E648G.
Identifiers: ClinVar variation 2036686 (VCV002036686.4), dbSNP rs1555211375, ClinGen allele CA376671779.